The following is an entry in ClinVar:

ClinVar aggregate classification (germline): Likely benign. Review status: criteria provided, multiple submitters, no conflicts (2 of 4 stars). 2 submissions from 2 submitters: Likely benign (2). Last evaluated 2024-10-31.

Conditions:
Cutis laxa, autosomal recessive, type 1B (ARCL1B). Also called: EFEMP2-Related Cutis Laxa; CUTIS LAXA, AUTOSOMAL RECESSIVE, TYPE IB. Identifiers: Orphanet 90349, MedGen C3280798, MONDO:0013754, OMIM 614437. Disease mechanism: loss of function.

gnomAD v4.1: 4 of 1,551,246 alleles (0.00026%); highest among the groups gnomAD compares: Non-Finnish European, 0.00035%; no homozygotes.

Submissions (2):

Labcorp Genetics (formerly Invitae), Labcorp
Classification: Likely benign for Cutis laxa, autosomal recessive, type 1B. Last evaluated: 2024-10-31. Review status: criteria provided, single submitter. Criteria: Invitae Variant Classification Sherloc (09022015). Collection method: clinical testing. Allele origin: germline.

Women's Health and Genetics/Laboratory Corporation of America, LabCorp
Classification: Likely benign. Last evaluated: 2023-11-22. Review status: criteria provided, single submitter. Criteria: LabCorp Variant Classification Summary - May 2015. Collection method: clinical testing. Allele origin: germline.
Comment: Variant summary: EFEMP2 c.160+17G>A alters a non-conserved nucleotide located at a position not widely known to affect splicing. Consensus agreement among computational tools predict no significant impact on normal splicing. However, these predictions have yet to be confirmed by functional studies. The variant allele was found at a frequency of 2.6e-06 in 1551246 control chromosomes (gnomAD, v4.0). The available data on variant occurrences in the general population are insufficient to allow any conclusion about variant significance. To our knowledge, no occurrence of c.160+17G>A in individuals affected with Aortopathy and no experimental evidence demonstrating its impact on protein function have been reported. No submitters have cited clinical-significance assessments for this variant to ClinVar after 2014. Based on the evidence outlined above, the variant was classified as likely benign.

NM_016938.5(EFEMP2):c.160+17G>A

Gene: EFEMP2 (EGF-like fibulin extracellular matrix protein 2; minus strand). Cytogenetic location: 11q13.1.
Variant type: single nucleotide variant.
Coding change: c.160+17G>A on transcript NM_016938.5 (MANE Select); 17 bases into the intron after coding-DNA position 160, G replaced by A.
Molecular consequence: intron variant.
Genome position (GRCh38, 1-based): chr11:65,871,953, C>T on the plus strand (G>A on the coding strand, the complement: EFEMP2 is on the minus strand). VCF-style: chr11-65871953-C-T. GRCh37 (hg19) VCF-style: chr11-65639424-C-T.
Identifiers: ClinVar variation 2682257 (VCV002682257.3), dbSNP rs1274496096, ClinGen allele CA938940206.